The following is an entry in ClinVar:

ClinVar aggregate classification (germline): Uncertain significance. Review status: criteria provided, multiple submitters, no conflicts (2 of 4 stars). 2 submissions from 2 submitters: Uncertain significance (2). Last evaluated 2025-04-21.

Conditions:
Neuroblastoma, susceptibility to, 3. Also called: ALK-Related Neuroblastic Tumor Susceptibility. Identifiers: Orphanet 635, MedGen C2751681, MONDO:0013083, OMIM 613014.
Hereditary cancer-predisposing syndrome. Also called: Neoplastic Syndromes, Hereditary; Hereditary Cancer Syndrome; Tumor predisposition; Hereditary neoplastic syndrome. Identifiers: Orphanet 140162, MedGen C0027672, MeSH D009386, MONDO:0015356.

Allele frequency attached by ClinVar (database versions not stated): gnomAD exomes below 0.00001; TOPMed below 0.00001.

Submissions (2):

Labcorp Genetics (formerly Invitae), Labcorp
Classification: Uncertain significance for Neuroblastoma, susceptibility to, 3. Last evaluated: 2025-04-21. Review status: criteria provided, single submitter. Criteria: Invitae Variant Classification Sherloc (09022015). Collection method: clinical testing. Allele origin: germline.
Comment: This sequence change replaces methionine, which is neutral and non-polar, with threonine, which is neutral and polar, at codon 1566 of the ALK protein (p.Met1566Thr). This variant is present in population databases (no rsID available, gnomAD 0.007%). This variant has not been reported in the literature in individuals affected with ALK-related conditions. ClinVar contains an entry for this variant (Variation ID: 1035005). An algorithm developed to predict the effect of missense changes on protein structure and function (PolyPhen-2) suggests that this variant is likely to be tolerated. In summary, the available evidence is currently insufficient to determine the role of this variant in disease. Therefore, it has been classified as a Variant of Uncertain Significance.

Ambry Genetics
Classification: Uncertain significance for Hereditary cancer-predisposing syndrome. Last evaluated: 2022-08-30. Review status: criteria provided, single submitter. Criteria: Ambry Variant Classification Scheme 2023. Collection method: clinical testing. Allele origin: germline.
Comment: The p.M1566T variant (also known as c.4697T>C), located in coding exon 29 of the ALK gene, results from a T to C substitution at nucleotide position 4697. The methionine at codon 1566 is replaced by threonine, an amino acid with similar properties. This amino acid position is conserved. In addition, this alteration is predicted to be tolerated by in silico analysis. Since supporting evidence is limited at this time, the clinical significance of this alteration remains unclear.

NM_004304.5(ALK):c.4697T>C (p.Met1566Thr)

Gene: ALK (ALK receptor tyrosine kinase; minus strand). Cytogenetic location: 2p23.2.
Variant type: single nucleotide variant.
Coding change: c.4697T>C on transcript NM_004304.5 (MANE Select); coding-DNA position 4697, T replaced by C.
Protein change: p.Met1566Thr; replaces methionine 1566 with threonine.
Molecular consequence: missense variant.
Genome position (GRCh38, 1-based): chr2:29,193,390, A>G on the plus strand (T>C on the coding strand, the complement: ALK is on the minus strand). VCF-style: chr2-29193390-A-G. GRCh37 (hg19) VCF-style: chr2-29416256-A-G.
Other names: c.1493T>C, p.Met498Thr (NM_001353765.2); short protein forms M1566T, M498T.
Identifiers: ClinVar variation 1035005 (VCV001035005.11), dbSNP rs1356952469, ClinGen allele CA346460438.